The following is an entry in ClinVar:

ClinVar aggregate classification (germline): Pathogenic (1 of 4 stars; one submission).

Conditions:
Fanconi-Bickel syndrome (FBS). Also called: HEPATIC GLYCOGENOSIS WITH AMINO ACIDURIA AND GLUCOSURIA; HEPATIC GLYCOGENOSIS WITH FANCONI NEPHROPATHY; HEPATORENAL GLYCOGENOSIS WITH RENAL FANCONI SYNDROME; Glycogen storage disease due to GLUT2 deficiency; PSEUDO-PHLORIZIN DIABETES; FANCONI SYNDROME WITH INTESTINAL MALABSORPTION AND GALACTOSE INTOLERANCE. Identifiers: Orphanet 2088, MedGen C3495427, MONDO:0009216, OMIM 227810.

Submission:

Juno Genomics, Hangzhou Juno Genomics, Inc
Classification: Pathogenic for Fanconi-Bickel syndrome. Review status: criteria provided, single submitter. Criteria: ACMG Guidelines, 2015. Collection method: clinical testing. Allele origin: germline.
Comment: Absent from controls (or at extremely low frequency if recessive) in Genome Aggregation Database.;Null variant in a gene where loss of function (LOF) is a known mechanism of disease.;For recessive disorders, detected in trans with a pathogenic variant.;Co-segregation with disease in multiple affected family members.

NM_000340.2(SLC2A2):c.1134_1137del (p.Cys379fs)

Gene: SLC2A2 (solute carrier family 2 member 2; minus strand). Cytogenetic location: 3q26.2.
Variant type: Microsatellite.
Coding change: c.1134_1137del on transcript NM_000340.2 (MANE Select); coding-DNA positions 1134 to 1137, 4 bases deleted (TTGT; older notation c.1134_1137delTTGT).
Protein change: p.Cys379fs; shifts the reading frame from cysteine 379.
Molecular consequence: frameshift variant.
Genome position (GRCh38, 1-based): chr3:170,999,098-170,999,101, ACAA deleted on the plus strand (TTGT on the coding strand, the reverse complement: SLC2A2 is on the minus strand); deleting any 4 consecutive bases within chr3:170,999,098-170,999,108 gives the same sequence; the c. name uses the placement nearest the transcript's 3' end. VCF-style (leftmost placement, unchanged base first): chr3-170999097-CACAA-C. GRCh37 (hg19) VCF-style: chr3-170716886-CACAA-C.
Other names: c.777_780del, p.Cys260fs (NM_001278658.2); c.615_618del, p.Cys206fs (NM_001278659.2); short protein forms C206fs, C260fs, C379fs.
Identifiers: ClinVar variation 5019386 (VCV005019386.2).